The following is an entry in ClinVar:

NM_001377295.2(GNAT2):c.931A>G (p.Asn311Asp)

Gene: GNAT2 (G protein subunit alpha transducin 2; minus strand). Cytogenetic location: 1p13.3.
Variant type: single nucleotide variant.
Coding change: c.931A>G on transcript NM_001377295.2 (MANE Select); coding-DNA position 931, A replaced by G.
Protein change: p.Asn311Asp; replaces asparagine 311 with aspartic acid.
Molecular consequence: missense variant.
Genome position (GRCh38, 1-based): chr1:109,603,488, T>C on the plus strand (A>G on the coding strand, the complement: GNAT2 is on the minus strand). VCF-style: chr1-109603488-T-C. GRCh37 (hg19) VCF-style: chr1-110146110-T-C.
Other names: c.931A>G, p.Asn311Asp (NM_001379232.1, NM_005272.5); short protein forms N311D.
Identifiers: ClinVar variation 954303 (VCV000954303.5), dbSNP rs200137591, ClinGen allele CA992266.

ClinVar aggregate classification (germline): Uncertain significance. Review status: criteria provided, multiple submitters, no conflicts (2 of 4 stars). 2 submissions from 2 submitters: Uncertain significance (2). Last evaluated 2023-12-14.

Allele frequency attached by ClinVar (database versions not stated): ExAC 0.00004; gnomAD 0.00006 and 0.00007; gnomAD exomes 0.00006 and 0.00015; TOPMed 0.00006.
gnomAD v4.1: 239 of 1,609,198 alleles (0.015%); highest among the groups gnomAD compares: Non-Finnish European, 0.019%; no homozygotes.

Submissions (2):

Labcorp Genetics (formerly Invitae), Labcorp
Classification: Uncertain significance. Last evaluated: 2023-12-14. Review status: criteria provided, single submitter. Criteria: Invitae Variant Classification Sherloc (09022015). Collection method: clinical testing. Allele origin: germline.
Comment: This sequence change replaces asparagine, which is neutral and polar, with aspartic acid, which is acidic and polar, at codon 311 of the GNAT2 protein (p.Asn311Asp). This variant is present in population databases (rs200137591, gnomAD 0.01%). This variant has not been reported in the literature in individuals affected with GNAT2-related conditions. ClinVar contains an entry for this variant (Variation ID: 954303). Advanced modeling of protein sequence and biophysical properties (such as structural, functional, and spatial information, amino acid conservation, physicochemical variation, residue mobility, and thermodynamic stability) performed at Invitae indicates that this missense variant is expected to disrupt GNAT2 protein function with a positive predictive value of 80%. In summary, the available evidence is currently insufficient to determine the role of this variant in disease. Therefore, it has been classified as a Variant of Uncertain Significance.

Blueprint Genetics
Classification: Uncertain significance. Last evaluated: 2022-08-02. Review status: criteria provided, single submitter. Criteria: ACMG Guidelines, 2015. Collection method: clinical testing. Allele origin: germline.